The following is an entry in ClinVar:

NC_000021.8:g.(?_46888136)_(46898287_?)del

Gene: COL18A1 (collagen type XVIII alpha 1 chain; plus strand). Cytogenetic location: 21q22.3.
Variant type: Deletion.
Identifiers: ClinVar variation 3248212 (VCV003248212.1).

ClinVar aggregate classification (germline): Pathogenic (1 of 4 stars; one submission).

Submission:

Labcorp Genetics (formerly Invitae), Labcorp
Classification: Pathogenic. Last evaluated: 2023-02-11. Review status: criteria provided, single submitter. Criteria: Invitae Variant Classification Sherloc (09022015). Collection method: clinical testing. Allele origin: unknown.
Comment: This variant is a gross deletion of the genomic region encompassing exon(s) 3-9 of the COL18A1 gene. This deletion is out-of-frame, and is expected to create a premature termination codon and result in an absent or disrupted protein product. Loss-of-function variants in COL18A1 are known to be pathogenic (PMID: 12415512, 25456301). This variant has not been reported in the literature in individuals affected with COL18A1-related conditions. For these reasons, this variant has been classified as Pathogenic.

Literature cited by the submitters: PubMed 12415512; PubMed 25456301.